The following is an entry in ClinVar:

NM_020207.7(ERCC6L2):c.881A>T (p.Asn294Ile)

Gene: ERCC6L2 (ERCC excision repair 6 like 2; plus strand). Cytogenetic location: 9q22.32.
Variant type: single nucleotide variant.
Coding change: c.881A>T on transcript NM_020207.7 (MANE Select); coding-DNA position 881, A replaced by T.
Protein change: p.Asn294Ile; replaces asparagine 294 with isoleucine.
Molecular consequence: missense variant. On other transcripts: non-coding transcript variant (1).
Genome position (GRCh38, 1-based): chr9:95,915,760, A>T. VCF-style: chr9-95915760-A-T. GRCh37 (hg19) VCF-style: chr9-98678042-A-T.
Other names: c.881A>T, p.Asn294Ile (NM_001010895.4, NM_001375291.1, NM_001375292.1 and 2 more transcripts); c.914A>T (NM_001010895.2); short protein forms N294I.
Identifiers: ClinVar variation 1374846 (VCV001374846.4), dbSNP rs562983899, ClinGen allele CA5139404.

ClinVar aggregate classification (germline): Uncertain significance. Review status: criteria provided, multiple submitters, no conflicts (2 of 4 stars). 2 submissions from 2 submitters: Uncertain significance (2). Last evaluated 2023-05-03.

Conditions:
Inborn genetic diseases. Identifiers: MedGen C0950123, MeSH D030342.

Allele frequency attached by ClinVar (database versions not stated): gnomAD 0.00001; gnomAD exomes 0.00001 and 0.00003; ExAC 0.00002.
gnomAD v4.1: 12 of 1,613,910 alleles (0.00074%); highest among the groups gnomAD compares: South Asian, 0.012%; no homozygotes.

Submissions (2):

Ambry Genetics
Classification: Uncertain significance for Inborn genetic diseases. Last evaluated: 2023-05-03. Review status: criteria provided, single submitter. Criteria: Ambry Variant Classification Scheme 2023. Collection method: clinical testing. Allele origin: germline.

Labcorp Genetics (formerly Invitae), Labcorp
Classification: Uncertain significance. Last evaluated: 2021-11-28. Review status: criteria provided, single submitter. Criteria: Invitae Variant Classification Sherloc (09022015). Collection method: clinical testing. Allele origin: germline.
Comment: This sequence change replaces asparagine, which is neutral and polar, with isoleucine, which is neutral and non-polar, at codon 305 of the ERCC6L2 protein (p.Asn305Ile). This variant is present in population databases (rs562983899, gnomAD 0.03%). This variant has not been reported in the literature in individuals affected with ERCC6L2-related conditions. Algorithms developed to predict the effect of missense changes on protein structure and function are either unavailable or do not agree on the potential impact of this missense change (SIFT: "Tolerated"; PolyPhen-2: "Not Available"; Align-GVGD: "Class C0"). In summary, the available evidence is currently insufficient to determine the role of this variant in disease. Therefore, it has been classified as a Variant of Uncertain Significance.